The following is an entry in ClinVar:

ClinVar aggregate classification (germline): Uncertain significance (1 of 4 stars; one submission).

Allele frequency attached by ClinVar (database versions not stated): TOPMed below 0.00001.
gnomAD v4.1: 1 of 1,614,218 alleles (0.000062%); highest among the groups gnomAD compares: Admixed American, 0.0017%; no homozygotes.

Submission:

Labcorp Genetics (formerly Invitae), Labcorp
Classification: Uncertain significance. Last evaluated: 2022-03-12. Review status: criteria provided, single submitter. Criteria: Invitae Variant Classification Sherloc (09022015). Collection method: clinical testing. Allele origin: germline.
Comment: This sequence change replaces histidine, which is basic and polar, with proline, which is neutral and non-polar, at codon 200 of the TUBGCP4 protein (p.His200Pro). This variant is not present in population databases (gnomAD no frequency). This variant has not been reported in the literature in individuals affected with TUBGCP4-related conditions. Algorithms developed to predict the effect of missense changes on protein structure and function are either unavailable or do not agree on the potential impact of this missense change (SIFT: "Deleterious"; PolyPhen-2: "Possibly Damaging"; Align-GVGD: "Class C0"). In summary, the available evidence is currently insufficient to determine the role of this variant in disease. Therefore, it has been classified as a Variant of Uncertain Significance.

NM_014444.5(TUBGCP4):c.599A>C (p.His200Pro)

Gene: TUBGCP4 (tubulin gamma complex component 4; plus strand). Cytogenetic location: 15q15.3.
Variant type: single nucleotide variant.
Coding change: c.599A>C on transcript NM_014444.5 (MANE Select); coding-DNA position 599, A replaced by C.
Protein change: p.His200Pro; replaces histidine 200 with proline.
Molecular consequence: missense variant.
Genome position (GRCh38, 1-based): chr15:43,383,380, A>C. VCF-style: chr15-43383380-A-C. GRCh37 (hg19) VCF-style: chr15-43675578-A-C.
Other names: c.599A>C, p.His200Pro (NM_001286414.3); short protein forms H200P.
Identifiers: ClinVar variation 2131705 (VCV002131705.1), dbSNP rs755646036, ClinGen allele CA392119962.